The following is an entry in ClinVar:

ClinVar aggregate classification (germline): Uncertain significance (1 of 4 stars; one submission).

Conditions:
RASopathy. Also called: Noonan spectrum disorder; rasopathies. Identifiers: Orphanet 536391, MedGen C5555857, MONDO:0021060.

Allele frequency attached by ClinVar (database versions not stated): gnomAD exomes below 0.00001.
gnomAD v4.1: 1 of 1,614,210 alleles (0.000062%); highest among the groups gnomAD compares: Non-Finnish European, 0.000085%; no homozygotes.

Submission:

Labcorp Genetics (formerly Invitae), Labcorp
Classification: Uncertain significance for RASopathy. Last evaluated: 2025-11-26. Review status: criteria provided, single submitter. Criteria: Invitae Variant Classification Sherloc (09022015). Collection method: clinical testing. Allele origin: germline.
Comment: This sequence change replaces serine, which is neutral and polar, with arginine, which is basic and polar, at codon 295 of the RAF1 protein (p.Ser295Arg). This variant is not present in population databases (gnomAD no frequency). This variant has not been reported in the literature in individuals affected with RAF1-related conditions. ClinVar contains an entry for this variant (Variation ID: 2752478). Invitae Evidence Modeling of protein sequence and biophysical properties (such as structural, functional, and spatial information, amino acid conservation, physicochemical variation, residue mobility, and thermodynamic stability) indicates that this missense variant is not expected to disrupt RAF1 protein function with a negative predictive value of 95%. In summary, the available evidence is currently insufficient to determine the role of this variant in disease. Therefore, it has been classified as a Variant of Uncertain Significance.

NM_002880.4(RAF1):c.885T>G (p.Ser295Arg)

Gene: RAF1 (Raf-1 proto-oncogene, serine/threonine kinase; minus strand). Cytogenetic location: 3p25.2.
Variant type: single nucleotide variant.
Coding change: c.885T>G on transcript NM_002880.4 (MANE Select); coding-DNA position 885, T replaced by G.
Protein change: p.Ser295Arg; replaces serine 295 with arginine.
Molecular consequence: missense variant. On other transcripts: non-coding transcript variant (3).
Genome position (GRCh38, 1-based): chr3:12,600,257, A>C on the plus strand (T>G on the coding strand, the complement: RAF1 is on the minus strand). VCF-style: chr3-12600257-A-C. GRCh37 (hg19) VCF-style: chr3-12641756-A-C.
Other names: c.945T>G, p.Ser315Arg (NM_001354689.3); c.885T>G, p.Ser295Arg (NM_001354690.3); c.642T>G, p.Ser214Arg (NM_001354691.3, NM_001354692.3); c.786T>G, p.Ser262Arg (NM_001354693.3); c.702T>G, p.Ser234Arg (NM_001354694.3); c.543T>G, p.Ser181Arg (NM_001354695.3); short protein forms S262R, S315R, S181R, S214R, S234R, S295R.
Identifiers: ClinVar variation 2752478 (VCV002752478.3), dbSNP rs2470305074, ClinGen allele CA351509471.
Genomic context (GRCh38, chr3:12,600,257, plus strand): 5'-TTGTGCTGGCACGGGGGTTTTCGGCTGTGACCAGCCTGTTGGGCTCAGATTGTTGGGGCT[A>C]CTGGACAGGGCTGAAGGTGAGGCTTAATAGACAAGACAAACAGAAGCCACACAAGGATAA-3'
Protein context (NP_002871.1, residues 285-305): SESASPSALS[Ser295Arg]SPNNLSPTGW